The following is an entry in ClinVar:

ClinVar aggregate classification (germline): Uncertain significance (1 of 4 stars; one submission).

Submission:

GeneDx
Classification: Uncertain significance. Last evaluated: 2023-11-08. Review status: criteria provided, single submitter. Criteria: GeneDx Variant Classification Process June 2021. Collection method: clinical testing. Allele origin: germline. Affected: yes.
Comment: Not observed at significant frequency in large population cohorts (gnomAD); In silico analysis supports that this missense variant has a deleterious effect on protein structure/function; Has not been previously published as pathogenic or benign to our knowledge

NM_024496.4(IRF2BPL):c.2081T>G (p.Met694Arg)

Gene: IRF2BPL (interferon regulatory factor 2 binding protein like; minus strand). Cytogenetic location: 14q24.3.
Variant type: single nucleotide variant.
Coding change: c.2081T>G on transcript NM_024496.4 (MANE Select); coding-DNA position 2081, T replaced by G.
Protein change: p.Met694Arg; replaces methionine 694 with arginine.
Molecular consequence: missense variant.
Genome position (GRCh38, 1-based): chr14:77,025,712, A>C on the plus strand (T>G on the coding strand, the complement: IRF2BPL is on the minus strand). VCF-style: chr14-77025712-A-C. GRCh37 (hg19) VCF-style: chr14-77492055-A-C.
Other names: short protein forms M694R.
Identifiers: ClinVar variation 3363821 (VCV003363821.1).